The following is an entry in ClinVar:

NM_001267550.2(TTN):c.85450G>A (p.Asp28484Asn)

Genes: TTN (titin; minus strand), TTN-AS1 (TTN antisense RNA 1; plus strand). Cytogenetic location: 2q31.2.
Variant type: single nucleotide variant.
Coding change: c.85450G>A on transcript NM_001267550.2 (MANE Select); coding-DNA position 85450, G replaced by A.
Protein change: p.Asp28484Asn; replaces aspartic acid 28484 with asparagine.
Molecular consequence: missense variant.
Genome position (GRCh38, 1-based): chr2:178,560,682, C>T on the plus strand (G>A on the coding strand, the complement: TTN is on the minus strand). VCF-style: chr2-178560682-C-T. GRCh37 (hg19) VCF-style: chr2-179425409-C-T.
Other names: p.D26843N:GAC>AAC; c.80527G>A, p.Asp26843Asn (NM_001256850.1); c.58255G>A, p.Asp19419Asn (NM_003319.4); c.77746G>A, p.Asp25916Asn (NM_133378.4); c.58630G>A, p.Asp19544Asn (NM_133432.3); c.58831G>A, p.Asp19611Asn (NM_133437.4); short protein forms D26843N, D28484N, D25916N, D19544N, D19419N, D19611N.
Identifiers: ClinVar variation 202930 (VCV000202930.13), dbSNP rs56330345, ClinGen allele CA310722.
Genomic context (GRCh38, chr2:178,560,682, plus strand): 5'-CTCCTTCACATATTGTCCATGCAAGGTGGCTTGTTTCACGTTTTTCTACGATGTAATAGT[C>T]GATATCTGCACCACCATCTTCTTGGGGACGTCCCCAGGAAAGAGAGCATTTCTCAGCAGT-3'
Protein context (NP_001254479.2, residues 28474-28494): RPQEDGGADI[Asp28484Asn]YYIVEKRETS

ClinVar aggregate classification (germline): Conflicting classifications of pathogenicity. Review status: criteria provided, conflicting classifications (1 of 4 stars). 5 submissions from 5 submitters: Uncertain significance (4); Likely benign (1). Last evaluated 2026-01-12.

Conditions:
Cardiovascular phenotype. Identifiers: MedGen CN230736.
Dilated cardiomyopathy 1G (CMD1G). Identifiers: Orphanet 154, MedGen C1858763, MONDO:0011400, OMIM 604145.
Autosomal recessive limb-girdle muscular dystrophy type 2J (LGMDR10). Also called: Limb-girdle muscular dystrophy, type 2J; MUSCULAR DYSTROPHY, LIMB-GIRDLE, AUTOSOMAL RECESSIVE 10. Identifiers: Orphanet 140922, MedGen C1837342, MONDO:0012127, OMIM 608807.

Allele frequency attached by ClinVar (database versions not stated): gnomAD 0.00003; gnomAD exomes 0.00003; ESP Exome Variant Server 0.00008; TOPMed 0.00015.
gnomAD v4.1: 54 of 1,613,438 alleles (0.0033%); highest among the groups gnomAD compares: African/African-American, 0.028%; 1 homozygote.

Submissions (5):

Women's Health and Genetics/Laboratory Corporation of America, LabCorp
Classification: Uncertain significance. Last evaluated: 2026-01-12. Review status: criteria provided, single submitter. Criteria: LabCorp Variant Classification Summary - May 2015. Collection method: clinical testing. Allele origin: germline.
Comment: Variant summary: TTN c.77746G>A (p.Asp25916Asn) results in a conservative amino acid change in the encoded protein sequence. Algorithms developed to predict the effect of missense changes on protein structure and function are either unavailable or do not agree on the potential impact of this missense change. The variant allele was found at a frequency of 2.8e-05 in 248128 control chromosomes. The available data on variant occurrences in the general population are insufficient to allow any conclusion about variant significance. To our knowledge, no occurrence of c.77746G>A in individuals affected with TTN-related conditions and no experimental evidence demonstrating its impact on protein function have been reported. ClinVar contains an entry for this variant (Variation ID: 202930). Based on the evidence outlined above, the variant was classified as uncertain significance.

Revvity Omics, Revvity
Classification: Uncertain significance. Last evaluated: 2023-08-14. Review status: criteria provided, single submitter. Criteria: ACMG Guidelines, 2015. Collection method: clinical testing. Allele origin: germline.

GeneDx
Classification: Likely benign. Last evaluated: 2021-04-27. Review status: criteria provided, single submitter. Criteria: GeneDx Variant Classification Process June 2021. Collection method: clinical testing. Allele origin: germline. Affected: yes.

Ambry Genetics
Classification: Uncertain significance for Cardiovascular phenotype. Last evaluated: 2018-09-07. Review status: criteria provided, single submitter. Criteria: Ambry Variant Classification Scheme 2023. Collection method: clinical testing. Allele origin: germline.
Comment: The p.D19419N variant (also known as c.58255G>A), located in coding exon 153 of the TTN gene, results from a G to A substitution at nucleotide position 58255. The aspartic acid at codon 19419 is replaced by asparagine, an amino acid with highly similar properties. This amino acid position is well conserved in available vertebrate species. In addition, this alteration is predicted to be tolerated by in silico analysis. Since supporting evidence is limited at this time, the clinical significance of this alteration remains unclear.

Labcorp Genetics (formerly Invitae), Labcorp
Classification: Uncertain significance for Dilated cardiomyopathy 1G; Autosomal recessive limb-girdle muscular dystrophy type 2J. Last evaluated: 2017-11-01. Review status: criteria provided, single submitter. Criteria: Invitae Variant Classification Sherloc (09022015). Collection method: clinical testing. Allele origin: germline.